The following is an entry in ClinVar:

NM_002755.4(MAP2K1):c.364A>C (p.Asn122His)

Gene: MAP2K1 (mitogen-activated protein kinase kinase 1; plus strand). Cytogenetic location: 15q22.31.
Variant type: single nucleotide variant.
Coding change: c.364A>C on transcript NM_002755.4 (MANE Select); coding-DNA position 364, A replaced by C.
Protein change: p.Asn122His; replaces asparagine 122 with histidine.
Molecular consequence: missense variant.
Genome position (GRCh38, 1-based): chr15:66,436,818, A>C. VCF-style: chr15-66436818-A-C. GRCh37 (hg19) VCF-style: chr15-66729156-A-C.
Other names: c.298A>C, p.Asn100His (NM_001411065.1); short protein forms N100H, N122H.
Identifiers: ClinVar variation 4710023 (VCV004710023.1).

ClinVar aggregate classification (germline): Uncertain significance (1 of 4 stars; one submission).

Conditions:
RASopathy. Also called: Noonan spectrum disorder; rasopathies. Identifiers: Orphanet 536391, MedGen C5555857, MONDO:0021060.

gnomAD v4.1: 1 of 1,614,200 alleles (0.000062%); highest among the groups gnomAD compares: Non-Finnish European, 0.000085%; no homozygotes.

Submission:

Labcorp Genetics (formerly Invitae), Labcorp
Classification: Uncertain significance for RASopathy. Last evaluated: 2025-12-24. Review status: criteria provided, single submitter. Criteria: Invitae Variant Classification Sherloc (09022015). Collection method: clinical testing. Allele origin: germline.
Comment: This sequence change replaces asparagine, which is neutral and polar, with histidine, which is basic and polar, at codon 122 of the MAP2K1 protein (p.Asn122His). This variant is not present in population databases (gnomAD no frequency). This variant has not been reported in the literature in individuals affected with MAP2K1-related conditions. Invitae Evidence Modeling of protein sequence and biophysical properties (such as structural, functional, and spatial information, amino acid conservation, physicochemical variation, residue mobility, and thermodynamic stability) has been performed for this missense variant. However, the output from this modeling did not meet the statistical confidence thresholds required to predict the impact of this variant on MAP2K1 protein function. This variant disrupts the p.Asn122 amino acid residue in MAP2K1. Other variant(s) that disrupt this residue have been determined to be pathogenic (PMID: 36313893; internal data). This suggests that this residue is clinically significant, and that variants that disrupt this residue are likely to be disease-causing. In summary, the available evidence is currently insufficient to determine the role of this variant in disease. Therefore, it has been classified as a Variant of Uncertain Significance.

Literature cited by the submitters: PubMed 36313893.